The following is an entry in ClinVar:

NM_138775.3(ALKBH8):c.1892G>A (p.Arg631His)

Gene: ALKBH8 (alkB homolog 8, tRNA methyltransferase; minus strand). Cytogenetic location: 11q22.3.
Variant type: single nucleotide variant.
Coding change: c.1892G>A on transcript NM_138775.3 (MANE Select); coding-DNA position 1892, G replaced by A.
Protein change: p.Arg631His; replaces arginine 631 with histidine.
Molecular consequence: missense variant. On other transcripts: non-coding transcript variant (6).
Genome position (GRCh38, 1-based): chr11:107,504,761, C>T on the plus strand (G>A on the coding strand, the complement: ALKBH8 is on the minus strand). VCF-style: chr11-107504761-C-T. GRCh37 (hg19) VCF-style: chr11-107375487-C-T.
Other names: c.1892G>A, p.Arg631His (NM_001301010.3); c.1742G>A, p.Arg581His (NM_001378133.1); short protein forms R581H, R631H.
Identifiers: ClinVar variation 3043165 (VCV003043165.4), dbSNP rs370685130, ClinGen allele CA6260992.

ClinVar aggregate classification (germline): Uncertain significance. Review status: criteria provided, multiple submitters, no conflicts (2 of 4 stars). 3 submissions from 3 submitters: Uncertain significance (2). 1 of the submissions does not count toward it. Last evaluated 2024-11-05.

Conditions:
ALKBH8-related disorder. Also called: ALKBH8-related condition.
Intellectual developmental disorder, autosomal recessive 71. Also called: MENTAL RETARDATION, AUTOSOMAL RECESSIVE 71. Identifiers: MedGen C5193133, MONDO:0032789, OMIM 618504.

Allele frequency attached by ClinVar (database versions not stated): gnomAD exomes 0.00018; ExAC 0.00039; ESP Exome Variant Server 0.00066; gnomAD 0.00075; TOPMed 0.00093; 1000 Genomes Project 0.00140; 1000 Genomes Project 30x 0.00172.
gnomAD v4.1: 381 of 1,552,088 alleles (0.025%); highest among the groups gnomAD compares: African/African-American, 0.23%; no homozygotes.

Submissions (3):

Blueprint Genetics
Classification: Uncertain significance. Last evaluated: 2024-11-05. Review status: criteria provided, single submitter. Criteria: ACMG Guidelines, 2015. Collection method: clinical testing. Allele origin: germline.

Genomic Medicine Center of Excellence, King Faisal Specialist Hospital and Research Centre
Classification: Uncertain significance for Intellectual developmental disorder, autosomal recessive 71. Last evaluated: 2024-03-25. Review status: criteria provided, single submitter. Criteria: ACMG Guidelines, 2015. Collection method: clinical testing. Allele origin: germline.

PreventionGenetics, part of Exact Sciences
Classification: Likely benign for ALKBH8-related condition. Last evaluated: 2023-03-10. Review status: no assertion criteria provided. Collection method: clinical testing. Allele origin: germline. Not counted in ClinVar's aggregate classification.
Comment: This variant is classified as likely benign based on ACMG/AMP sequence variant interpretation guidelines (Richards et al. 2015 PMID: 25741868, with internal and published modifications).